The following is an entry in ClinVar:

ClinVar aggregate classification (germline): Pathogenic (1 of 4 stars; one submission).

Conditions:
Glycine encephalopathy. Also called: Nonketotic hyperglycinemia; Non-ketotic hyperglycinemia. Identifiers: Orphanet 407, MedGen C0751748, MONDO:0011612, HP:0008288.

Submission:

Labcorp Genetics (formerly Invitae), Labcorp
Classification: Pathogenic for Glycine encephalopathy. Last evaluated: 2025-07-28. Review status: criteria provided, single submitter. Criteria: Invitae Variant Classification Sherloc (09022015). Collection method: clinical testing. Allele origin: germline.
Comment: This sequence change creates a premature translational stop signal (p.Tyr537*) in the GLDC gene. It is expected to result in an absent or disrupted protein product. Loss-of-function variants in GLDC are known to be pathogenic (PMID: 16601880). This variant is not present in population databases (gnomAD no frequency). This premature translational stop signal has been observed in individual(s) with glycine encephalopathy (PMID: 27362913). ClinVar contains an entry for this variant (Variation ID: 1397183). Algorithms developed to predict the effect of sequence changes on RNA splicing suggest that this variant may disrupt the consensus splice site. For these reasons, this variant has been classified as Pathogenic.

Literature cited by the submitters: PubMed 16601880; PubMed 27362913.

NM_000170.3(GLDC):c.1611C>G (p.Tyr537Ter)

Gene: GLDC (glycine decarboxylase; minus strand). Cytogenetic location: 9p24.1.
Variant type: single nucleotide variant.
Coding change: c.1611C>G on transcript NM_000170.3 (MANE Select); coding-DNA position 1611, C replaced by G.
Protein change: p.Tyr537Ter; replaces tyrosine 537 with a stop codon.
Molecular consequence: nonsense.
Genome position (GRCh38, 1-based): chr9:6,588,672, G>C on the plus strand (C>G on the coding strand, the complement: GLDC is on the minus strand). VCF-style: chr9-6588672-G-C. GRCh37 (hg19) VCF-style: chr9-6588672-G-C.
Other names: short protein forms Y537*.
Identifiers: ClinVar variation 1397183 (VCV001397183.8), dbSNP rs1818317328, ClinGen allele CA372892788.
Genomic context (GRCh38, chr9:6,588,672, plus strand): 5'-AACTACCAGTGGAATCATGCTGTGAACAAGGGAAATGTCTTTATTTTCCAGTTTCTTCAT[G>C]TACCGGACAATGTTTGTTTCAGAGTGGTAGCTGTGAACACAAAACACAGAATTAGGGGCC-3'